The following is an entry in ClinVar:

ClinVar aggregate classification (germline): Likely benign (1 of 4 stars; one submission).

Conditions:
Dermatofibrosis lenticularis disseminata (BOS). Also called: DERMATOFIBROSIS LENTICULARIS DISSEMINATA WITH OSTEOPOIKILOSIS; DERMATOOSTEOPOIKILOSIS; OSTEOPATHIA CONDENSANS DISSEMINATA. Identifiers: Orphanet 1306, MedGen C0265514, MONDO:0008157, OMIM 166700.

gnomAD v4.1: 33 of 1,608,294 alleles (0.0021%); highest among the groups gnomAD compares: East Asian, 0.018%; no homozygotes.

Submission:

Illumina Laboratory Services, Illumina
Classification: Likely benign for Dermatofibrosis lenticularis disseminata. Last evaluated: 2018-01-13. Review status: criteria provided, single submitter. Criteria: ICSL Variant Classification Criteria 13 December 2019. Collection method: clinical testing. Allele origin: germline.
Comment: This variant was observed in the ICSL laboratory as part of a predisposition screen in an ostensibly healthy population. It had not been previously curated by ICSL or reported in the Human Gene Mutation Database (HGMD: prior to June 1st, 2018), and was therefore a candidate for classification through an automated scoring system. Utilizing variant allele frequency, disease prevalence and penetrance estimates, and inheritance mode, an automated score was calculated to assess if this variant is too frequent to cause the disease. Based on the score and internal cut-off values, a variant classified as likely benign is not then subjected to further curation. The score for this variant resulted in a classification of likely benign for this disease.

NM_014319.5(LEMD3):c.750C>T (p.Val250=)

Gene: LEMD3 (LEM domain containing 3; plus strand). Cytogenetic location: 12q14.3.
Variant type: single nucleotide variant.
Coding change: c.750C>T on transcript NM_014319.5 (MANE Select); coding-DNA position 750, C replaced by T.
Protein change: p.Val250=; no amino-acid change (valine 250 retained).
Molecular consequence: synonymous variant.
Genome position (GRCh38, 1-based): chr12:65,170,346, C>T. VCF-style: chr12-65170346-C-T. GRCh37 (hg19) VCF-style: chr12-65564126-C-T.
Other names: c.750C>T, p.Val250= (NM_001167614.2).
Identifiers: ClinVar variation 310227 (VCV000310227.5), dbSNP rs148964879, ClinGen allele CA6670754.